The following is an entry in ClinVar:

ClinVar aggregate classification (germline): Uncertain significance (1 of 4 stars; one submission).

Conditions:
Meckel syndrome, type 11 (MKS11). Identifiers: Orphanet 564, MedGen C3809352, MONDO:0014164, OMIM 615397.
Joubert syndrome 20 (JBTS20). Identifiers: Orphanet 475, MedGen C3554235, MONDO:0013994, OMIM 614970.

Allele frequency attached by ClinVar (database versions not stated): gnomAD exomes below 0.00001.

Submission:

Labcorp Genetics (formerly Invitae), Labcorp
Classification: Uncertain significance for Joubert syndrome 20; Meckel syndrome, type 11. Last evaluated: 2022-03-13. Review status: criteria provided, single submitter. Criteria: Invitae Variant Classification Sherloc (09022015). Collection method: clinical testing. Allele origin: germline.
Comment: This sequence change replaces glutamine, which is neutral and polar, with histidine, which is basic and polar, at codon 222 of the TMEM231 protein (p.Gln222His). This variant is present in population databases (no rsID available, gnomAD 0.003%). This variant has not been reported in the literature in individuals affected with TMEM231-related conditions. Algorithms developed to predict the effect of missense changes on protein structure and function are either unavailable or do not agree on the potential impact of this missense change (SIFT: "Deleterious"; PolyPhen-2: "Not Available"; Align-GVGD: "Class C0"). In summary, the available evidence is currently insufficient to determine the role of this variant in disease. Therefore, it has been classified as a Variant of Uncertain Significance.

NM_001077418.3(TMEM231):c.507G>T (p.Gln169His)

Gene: TMEM231 (transmembrane protein 231; minus strand). Cytogenetic location: 16q23.1.
Variant type: single nucleotide variant.
Coding change: c.507G>T on transcript NM_001077418.3 (MANE Select); coding-DNA position 507, G replaced by T.
Protein change: p.Gln169His; replaces glutamine 169 with histidine.
Molecular consequence: missense variant. On other transcripts: non-coding transcript variant (1).
Genome position (GRCh38, 1-based): chr16:75,545,427, C>A on the plus strand (G>T on the coding strand, the complement: TMEM231 is on the minus strand). VCF-style: chr16-75545427-C-A. GRCh37 (hg19) VCF-style: chr16-75579325-C-A.
Other names: c.666G>T, p.Gln222His (NM_001077416.2); short protein forms Q169H, Q222H.
Identifiers: ClinVar variation 2111271 (VCV002111271.1), dbSNP rs1452058873, ClinGen allele CA396806748.